The following is an entry in ClinVar:

ClinVar aggregate classification (germline): Benign/Likely benign. Review status: criteria provided, multiple submitters, no conflicts (2 of 4 stars). 8 submissions from 8 submitters: Benign (4); Likely benign (3). 1 of the submissions does not count toward it. Last evaluated 2026-01-26.

Conditions:
Refsum disease, classic. Also called: HEREDOPATHIA ATACTICA POLYNEURITIFORMIS; HMSN IV; PHYTANIC ACID OXIDASE DEFICIENCY; PHYH-Related Refsum Disease. Identifiers: Orphanet 773, MedGen C5780941, MONDO:1060256, OMIM 266500. Disease mechanism: loss of function.

Allele frequency attached by ClinVar (database versions not stated): 1000 Genomes Project 30x 0.00500; ExAC 0.00120; TOPMed 0.00396; gnomAD exomes 0.00106; ESP Exome Variant Server 0.00361; 1000 Genomes Project 0.00499.
gnomAD v4.1: 1,817 of 1,613,914 alleles (0.11%); highest among the groups gnomAD compares: African/African-American, 1.1%; 5 homozygotes.

Submissions (8):

Labcorp Genetics (formerly Invitae), Labcorp
Classification: Benign. Last evaluated: 2026-01-26. Review status: criteria provided, single submitter. Criteria: Invitae Variant Classification Sherloc (09022015). Collection method: clinical testing. Allele origin: germline.

ARUP Laboratories, Molecular Genetics and Genomics, ARUP Laboratories
Classification: Benign for Refsum disease, classic. Last evaluated: 2024-12-20. Review status: criteria provided, single submitter. Criteria: ARUP Molecular Germline Variant Investigation Process 2024. Collection method: clinical testing. Allele origin: germline.

Blueprint Genetics
Classification: Likely benign. Last evaluated: 2024-10-28. Review status: criteria provided, single submitter. Criteria: ACMG Guidelines, 2015. Collection method: clinical testing. Allele origin: germline.

Mayo Clinic Laboratories, Mayo Clinic
Classification: Benign. Last evaluated: 2023-06-14. Review status: criteria provided, single submitter. Criteria: ACMG Guidelines, 2015. Collection method: clinical testing. Allele origin: germline. Observed: 8 variant alleles.
Comment: BA1, BP4, BP7

GeneDx
Classification: Likely benign. Last evaluated: 2019-12-18. Review status: criteria provided, single submitter. Criteria: GeneDx Variant Classification Process June 2021. Collection method: clinical testing. Allele origin: germline. Affected: yes.

Illumina Laboratory Services, Illumina
Classification: Benign for Refsum disease, classic. Last evaluated: 2018-01-13. Review status: criteria provided, single submitter. Criteria: ICSL Variant Classification Criteria 13 December 2019. Collection method: clinical testing. Allele origin: germline.
Comment: This variant was observed in the ICSL laboratory as part of a predisposition screen in an ostensibly healthy population. It had not been previously curated by ICSL or reported in the Human Gene Mutation Database (HGMD: prior to June 1st, 2018), and was therefore a candidate for classification through an automated scoring system. Utilizing variant allele frequency, disease prevalence and penetrance estimates, and inheritance mode, an automated score was calculated to assess if this variant is too frequent to cause the disease. Based on the score and internal cut-off values, a variant classified as benign is not then subjected to further curation. The score for this variant resulted in a classification of benign for this disease.

Clinical Genetics DNA and cytogenetics Diagnostics Lab, Erasmus MC, Erasmus Medical Center
Classification: Likely benign for Refsum disease, classic. Last evaluated: 2017-06-28. Review status: criteria provided, single submitter. Criteria: ACGS Guidelines, 2013. Collection method: clinical testing. Allele origin: germline. Affected: yes. Study: VKGL Data-share Consensus.

Clinical Genetics, Academic Medical Center
Classification: Benign. Review status: no assertion criteria provided. Collection method: clinical testing. Allele origin: germline. Affected: yes. Study: VKGL Data-share Consensus. Not counted in ClinVar's aggregate classification.

NM_006214.4(PHYH):c.321G>A (p.Ser107=)

Gene: PHYH (phytanoyl-CoA 2-hydroxylase; minus strand). Cytogenetic location: 10p13.
Variant type: single nucleotide variant.
Coding change: c.321G>A on transcript NM_006214.4 (MANE Select); coding-DNA position 321, G replaced by A.
Protein change: p.Ser107=; no amino-acid change (serine 107 retained).
Molecular consequence: synonymous variant.
Genome position (GRCh38, 1-based): chr10:13,294,521, C>T on the plus strand (G>A on the coding strand, the complement: PHYH is on the minus strand). VCF-style: chr10-13294521-C-T. GRCh37 (hg19) VCF-style: chr10-13336521-C-T.
Other names: p.Ser107=; c.21G>A, p.Ser7= (NM_001037537.2, NM_001323080.2, NM_001323084.2); c.321G>A, p.Ser107= (NM_001323082.2, NM_001323083.2).
Identifiers: ClinVar variation 299257 (VCV000299257.23), dbSNP rs115198308, ClinGen allele CA5412416.